The following is an entry in ClinVar:

NM_007294.4(BRCA1):c.2764A>G (p.Thr922Ala)

Gene: BRCA1 (BRCA1 DNA repair associated; minus strand). Cytogenetic location: 17q21.31.
Variant type: single nucleotide variant.
Coding change: c.2764A>G on transcript NM_007294.4 (MANE Select); coding-DNA position 2764, A replaced by G.
Protein change: p.Thr922Ala; replaces threonine 922 with alanine.
Molecular consequence: missense variant. On other transcripts: intron variant (137).
Genome position (GRCh38, 1-based): chr17:43,092,767, T>C on the plus strand (A>G on the coding strand, the complement: BRCA1 is on the minus strand). VCF-style: chr17-43092767-T-C. GRCh37 (hg19) VCF-style: chr17-41244784-T-C.
Other names: c.788-1735A>G (NM_001408403.1, NM_001407983.1, NM_001407975.1 and 17 more transcripts); c.647-1735A>G (NM_001408456.1, NM_001408458.1, NM_001408469.1 and 11 more transcripts); c.644-1735A>G (NM_001408465.1, NM_001408463.1, NM_001408470.1 and 3 more transcripts); c.578-1735A>G (NM_001408482.1, NM_001408481.1, NM_001408480.1 and 9 more transcripts); c.521-1735A>G (NM_001408504.1, NM_001408503.1, NM_001408505.1); c.524-1735A>G (NM_001408499.1, NM_001408498.1, NM_001408501.1 and 3 more transcripts); c.671-1735A>G (NM_001408422.1, NM_001408423.1, NM_001408420.1 and 2 more transcripts); c.791-1744A>G (NM_001408406.1); and 41 more; short protein forms T922A, T875A, T811A, T834A, T852A, T854A, T880A, T881A.
Identifiers: ClinVar variation 441359 (VCV000441359.9), dbSNP rs1555588988, ClinGen allele CA10596463.

ClinVar aggregate classification (germline): Conflicting classifications of pathogenicity. Review status: criteria provided, conflicting classifications (1 of 4 stars). 3 submissions from 3 submitters: Uncertain significance (2); Likely benign (1). Last evaluated 2025-10-29.

Conditions:
Hereditary cancer-predisposing syndrome. Also called: Hereditary Cancer Syndrome; Hereditary neoplastic syndrome; Neoplastic Syndromes, Hereditary; Tumor predisposition. Identifiers: Orphanet 140162, MedGen C0027672, MeSH D009386, MONDO:0015356.
Hereditary breast ovarian cancer syndrome. Also called: Hereditary breast and ovarian cancer; Breast and ovarian cancer; Hereditary breast and ovarian cancer syndrome; Hereditary breast and/or ovarian cancer syndrome; BRCA1- and BRCA2-Associated Hereditary Breast and Ovarian Cancer; Hereditary breast and ovarian cancer syndrome (HBOC). Identifiers: Orphanet 145, MedGen C0677776, MeSH D061325, MONDO:0003582. Disease mechanism: loss of function.

Submissions (3):

Labcorp Genetics (formerly Invitae), Labcorp
Classification: Uncertain significance for Hereditary breast ovarian cancer syndrome. Last evaluated: 2025-10-29. Review status: criteria provided, single submitter. Criteria: Invitae Variant Classification Sherloc (09022015). Collection method: clinical testing. Allele origin: germline.
Comment: This sequence change replaces threonine, which is neutral and polar, with alanine, which is neutral and non-polar, at codon 922 of the BRCA1 protein (p.Thr922Ala). This variant is not present in population databases (gnomAD no frequency). This variant has not been reported in the literature in individuals affected with BRCA1-related conditions. ClinVar contains an entry for this variant (Variation ID: 441359). Invitae Evidence Modeling of protein sequence and biophysical properties (such as structural, functional, and spatial information, amino acid conservation, physicochemical variation, residue mobility, and thermodynamic stability) indicates that this missense variant is not expected to disrupt BRCA1 protein function with a negative predictive value of 80%. In summary, the available evidence is currently insufficient to determine the role of this variant in disease. Therefore, it has been classified as a Variant of Uncertain Significance.

University of Washington Department of Laboratory Medicine, University of Washington
Classification: Likely benign for Hereditary cancer-predisposing syndrome. Last evaluated: 2023-03-23. Review status: criteria provided, single submitter. Criteria: Dines et al. (Genet Med. 2020). Collection method: curation. Allele origin: germline.
Comment: Missense variant in a coldspot region where missense variants are very unlikely to be pathogenic (PMID:31911673).

BRCA1 coldspot (exon 11 using historical exon numbering). Reclassification based on statistical prior probability

Ambry Genetics
Classification: Uncertain significance for Hereditary cancer-predisposing syndrome. Last evaluated: 2016-10-19. Review status: criteria provided, single submitter. Criteria: Ambry Variant Classification Scheme 2023. Collection method: clinical testing. Allele origin: germline.
Comment: The p.T922A variant (also known as c.2764A>G), located in coding exon 9 of the BRCA1 gene, results from an A to G substitution at nucleotide position 2764. The threonine at codon 922 is replaced by alanine, an amino acid with similar properties. This variant was not reported in population based cohorts in the following databases: Database of Single Nucleotide Polymorphisms (dbSNP), NHLBI Exome Sequencing Project (ESP), and 1000 Genomes Project. In the ESP, this variant was not observed in 6503 samples (13006 alleles) with coverage at this position. To date, this alteration has been detected with an allele frequency of approximately 0.0003% (greater than 300000 alleles tested) in our clinical cohort. This amino acid position is poorly conserved in available vertebrate species. In addition, this alteration is predicted to be tolerated by in silico analysis. Since supporting evidence is limited at this time, the clinical significance of this alteration remains unclear.